The following is an entry in ClinVar:

NM_007294.4(BRCA1):c.2358G>A (p.Leu786=)

Gene: BRCA1 (BRCA1 DNA repair associated; minus strand). Cytogenetic location: 17q21.31.
Variant type: single nucleotide variant.
Coding change: c.2358G>A on transcript NM_007294.4 (MANE Select); coding-DNA position 2358, G replaced by A.
Protein change: p.Leu786=; no amino-acid change (leucine 786 retained).
Molecular consequence: synonymous variant. On other transcripts: intron variant (137).
Genome position (GRCh38, 1-based): chr17:43,093,173, C>T on the plus strand (G>A on the coding strand, the complement: BRCA1 is on the minus strand). VCF-style: chr17-43093173-C-T. GRCh37 (hg19) VCF-style: chr17-41245190-C-T.
Other names: c.2145G>A, p.Leu715= (NM_001407571.1, NM_001407853.1, NM_001407894.1 and 9 more transcripts); c.2358G>A, p.Leu786= (NM_001407581.1, NM_001407582.1, NM_001407583.1 and 30 more transcripts); c.2355G>A, p.Leu785= (NM_001407587.1, NM_001407590.1, NM_001407591.1 and 22 more transcripts); c.2349G>A, p.Leu783= (NM_001407646.1, NM_001407647.1); c.2235G>A, p.Leu745= (NM_001407648.1, NM_001407664.1, NM_001407665.1 and 19 more transcripts); c.2232G>A, p.Leu744= (NM_001407649.1, NM_001407670.1, NM_001407671.1 and 11 more transcripts); c.2280G>A, p.Leu760= (NM_001407653.1, NM_001407654.1, NM_001407655.1 and 4 more transcripts); c.2277G>A, p.Leu759= (NM_001407659.1, NM_001407660.1, NM_001407661.1 and 1 more transcripts); and 41 more.
Identifiers: ClinVar variation 1123330 (VCV001123330.13), dbSNP rs2053774346, ClinGen allele CA500233006.

ClinVar aggregate classification (germline): Conflicting classifications of pathogenicity. Review status: criteria provided, conflicting classifications (1 of 4 stars). 5 submissions from 5 submitters: Uncertain significance (2); Likely benign (3). Last evaluated 2025-03-11.

Conditions:
Hereditary cancer-predisposing syndrome. Also called: Hereditary neoplastic syndrome; Neoplastic Syndromes, Hereditary; Tumor predisposition; Hereditary Cancer Syndrome. Identifiers: Orphanet 140162, MedGen C0027672, MeSH D009386, MONDO:0015356.
BRCA1-related cancer predisposition. Identifiers: MedGen CN377757, MONDO:0700268.
Hereditary breast ovarian cancer syndrome. Also called: Hereditary breast and ovarian cancer; Breast and ovarian cancer; Hereditary breast and ovarian cancer syndrome (HBOC); BRCA1- and BRCA2-Associated Hereditary Breast and Ovarian Cancer; Hereditary breast and/or ovarian cancer syndrome; Hereditary breast and ovarian cancer syndrome. Identifiers: Orphanet 145, MedGen C0677776, MeSH D061325, MONDO:0003582. Disease mechanism: loss of function.

Submissions (5):

Ambry Genetics
Classification: Likely benign for Hereditary cancer-predisposing syndrome. Last evaluated: 2025-03-11. Review status: criteria provided, single submitter. Criteria: Ambry Variant Classification Scheme 2023. Collection method: clinical testing. Allele origin: germline.

All of Us Research Program, National Institutes of Health
Classification: Likely benign for BRCA1-related cancer predisposition. Last evaluated: 2024-07-10. Review status: criteria provided, single submitter. Criteria: ACMG Guidelines, 2015. Collection method: clinical testing. Allele origin: germline. Inheritance: Autosomal dominant inheritance. Observed: 1 variant allele, 1 heterozygote.
Comment: This study involves interpretation of variants in research participants for the purpose of population health screening. Participant phenotype was not available at the time of variant classification. Additional details can be found in publication PMID: 35346344, PMCID: PMC8962531

Quest Diagnostics Nichols Institute San Juan Capistrano
Classification: Uncertain significance. Last evaluated: 2024-01-09. Review status: criteria provided, single submitter. Criteria: Quest Diagnostics criteria. Collection method: clinical testing. Allele origin: unknown.
Comment: The BRCA1 c.2358G>A (p.Leu786=) synonymous variant has not been reported in individuals with BRCA1-related conditions in the published literature. It also has not been reported in large, multi-ethnic general populations (Genome Aggregation Database). Analysis of this variant using software algorithms for the prediction of the effect of nucleotide changes on splicing yielded predictions that this variant does not affect BRCA1 mRNA splicing. Based on the available information, we are unable to determine the clinical significance of this variant.

Sema4
Classification: Uncertain significance for Hereditary cancer-predisposing syndrome. Last evaluated: 2022-02-14. Review status: criteria provided, single submitter. Criteria: Sema4 Curation Guidelines. Collection method: curation. Allele origin: germline.
Comment: The BRCA1 c.2358G>A (p.L786=) variant has not been reported in the literature to our knowledge. It was not observed in the large and broad cohorts of the Genome Aggregation Database (PMID: 32461654). This variant has been reported in ClinVar (Variation ID 1123330). In silico tools suggest that the variant may create or strengthen a cryptic splice site, though these predictions have not been confirmed by functional studies. The evidence is insufficient to meet ACMG/AMP criteria for classifying the variant as benign or pathogenic. Thus, the clinical significance of this variant is currently uncertain.

Labcorp Genetics (formerly Invitae), Labcorp
Classification: Likely benign for Hereditary breast ovarian cancer syndrome. Last evaluated: 2019-04-04. Review status: criteria provided, single submitter. Criteria: Invitae Variant Classification Sherloc (09022015). Collection method: clinical testing. Allele origin: germline.